The following is an entry in ClinVar:

ClinVar aggregate classification (germline): Uncertain significance. Review status: criteria provided, multiple submitters, no conflicts (2 of 4 stars). 2 submissions from 2 submitters: Uncertain significance (2). Last evaluated 2025-09-22.

Conditions:
Inborn genetic diseases. Identifiers: MedGen C0950123, MeSH D030342.

Allele frequency attached by ClinVar (database versions not stated): ExAC 0.00002; TOPMed 0.00002; 1000 Genomes Project 0.00020; gnomAD 0.00005; 1000 Genomes Project 30x 0.00016; gnomAD exomes 0.00002.
gnomAD v4.1: 43 of 1,614,074 alleles (0.0027%); highest among the groups gnomAD compares: African/African-American, 0.0053%; no homozygotes.

Submissions (2):

Ambry Genetics
Classification: Uncertain significance for Inborn genetic diseases. Last evaluated: 2025-09-22. Review status: criteria provided, single submitter. Criteria: Ambry Variant Classification Scheme 2023. Collection method: clinical testing. Allele origin: germline.

Labcorp Genetics (formerly Invitae), Labcorp
Classification: Uncertain significance. Last evaluated: 2022-03-14. Review status: criteria provided, single submitter. Criteria: Invitae Variant Classification Sherloc (09022015). Collection method: clinical testing. Allele origin: germline.
Comment: This sequence change replaces proline, which is neutral and non-polar, with leucine, which is neutral and non-polar, at codon 911 of the SH3PXD2B protein (p.Pro911Leu). This variant is present in population databases (rs201157559, gnomAD 0.004%). This variant has not been reported in the literature in individuals affected with SH3PXD2B-related conditions. Algorithms developed to predict the effect of missense changes on protein structure and function output the following: SIFT: "Deleterious"; PolyPhen-2: "Probably Damaging"; Align-GVGD: "Class C65". The leucine amino acid residue is found in multiple mammalian species, which suggests that this missense change does not adversely affect protein function. In summary, the available evidence is currently insufficient to determine the role of this variant in disease. Therefore, it has been classified as a Variant of Uncertain Significance.

NM_001017995.3(SH3PXD2B):c.2732C>T (p.Pro911Leu)

Gene: SH3PXD2B (SH3 and PX domains 2B; minus strand). Cytogenetic location: 5q35.1.
Variant type: single nucleotide variant.
Coding change: c.2732C>T on transcript NM_001017995.3 (MANE Select); coding-DNA position 2732, C replaced by T.
Protein change: p.Pro911Leu; replaces proline 911 with leucine.
Molecular consequence: missense variant. On other transcripts: intron variant (1).
Genome position (GRCh38, 1-based): chr5:172,338,373, G>A on the plus strand (C>T on the coding strand, the complement: SH3PXD2B is on the minus strand). VCF-style: chr5-172338373-G-A. GRCh37 (hg19) VCF-style: chr5-171765377-G-A.
Other names: c.1188+7763C>T (NM_001308175.2); c.2732C>T (NM_001017995.2); short protein forms P911L.
Identifiers: ClinVar variation 2069142 (VCV002069142.2), dbSNP rs201157559, ClinGen allele CA3560902.